The following is an entry in ClinVar:

NM_000057.4(BLM):c.3778T>G (p.Leu1260Val)

Gene: BLM (BLM RecQ like helicase; plus strand). Cytogenetic location: 15q26.1.
Variant type: single nucleotide variant.
Coding change: c.3778T>G on transcript NM_000057.4 (MANE Select); coding-DNA position 3778, T replaced by G.
Protein change: p.Leu1260Val; replaces leucine 1260 with valine.
Molecular consequence: missense variant.
Genome position (GRCh38, 1-based): chr15:90,809,163, T>G. VCF-style: chr15-90809163-T-G. GRCh37 (hg19) VCF-style: chr15-91352393-T-G.
Other names: c.3778T>G, p.Leu1260Val (NM_001287246.2); c.3385T>G, p.Leu1129Val (NM_001287247.2); c.2653T>G, p.Leu885Val (NM_001287248.2); short protein forms L885V, L1129V, L1260V.
Identifiers: ClinVar variation 1499976 (VCV001499976.10), dbSNP rs2151198289, ClinGen allele CA393849635.

ClinVar aggregate classification (germline): Uncertain significance. Review status: criteria provided, multiple submitters, no conflicts (2 of 4 stars). 2 submissions from 2 submitters: Uncertain significance (2). Last evaluated 2021-09-23.

Conditions:
Hereditary cancer-predisposing syndrome. Also called: Tumor predisposition; Hereditary neoplastic syndrome; Neoplastic Syndromes, Hereditary; Hereditary Cancer Syndrome. Identifiers: Orphanet 140162, MedGen C0027672, MeSH D009386, MONDO:0015356.
Bloom syndrome (BLM). Also called: Bloom-Torre-Machacek syndrome. Identifiers: Orphanet 125, MedGen C0005859, MONDO:0008876, OMIM 210900.

Submissions (2):

Ambry Genetics
Classification: Uncertain significance for Hereditary cancer-predisposing syndrome. Last evaluated: 2021-09-23. Review status: criteria provided, single submitter. Criteria: Ambry Variant Classification Scheme 2023. Collection method: clinical testing. Allele origin: germline.
Comment: The p.L1260V variant (also known as c.3778T>G), located in coding exon 19 of the BLM gene, results from a T to G substitution at nucleotide position 3778. The leucine at codon 1260 is replaced by valine, an amino acid with highly similar properties. This amino acid position is conserved. In addition, the in silico prediction for this alteration is inconclusive. Since supporting evidence is limited at this time, the clinical significance of this alteration remains unclear.

Labcorp Genetics (formerly Invitae), Labcorp
Classification: Uncertain significance for Bloom syndrome. Last evaluated: 2021-07-20. Review status: criteria provided, single submitter. Criteria: Invitae Variant Classification Sherloc (09022015). Collection method: clinical testing. Allele origin: germline.
Comment: In summary, the available evidence is currently insufficient to determine the role of this variant in disease. Therefore, it has been classified as a Variant of Uncertain Significance. Algorithms developed to predict the effect of missense changes on protein structure and function are either unavailable or do not agree on the potential impact of this missense change (SIFT: "Tolerated"; PolyPhen-2: "Probably Damaging"; Align-GVGD: "Class C0"). This variant has not been reported in the literature in individuals affected with BLM-related conditions. This variant is not present in population databases (ExAC no frequency). This sequence change replaces leucine with valine at codon 1260 of the BLM protein (p.Leu1260Val). The leucine residue is highly conserved and there is a small physicochemical difference between leucine and valine.